The following is an entry in ClinVar:

ClinVar aggregate classification (germline): Uncertain significance (1 of 4 stars; one submission).

Submission:

Labcorp Genetics (formerly Invitae), Labcorp
Classification: Uncertain significance. Last evaluated: 2025-03-17. Review status: criteria provided, single submitter. Criteria: Invitae Variant Classification Sherloc (09022015). Collection method: clinical testing. Allele origin: germline.
Comment: This sequence change replaces arginine, which is basic and polar, with glycine, which is neutral and non-polar, at codon 157 of the PPP2R1A protein (p.Arg157Gly). This variant is not present in population databases (gnomAD no frequency). This variant has not been reported in the literature in individuals affected with PPP2R1A-related conditions. ClinVar contains an entry for this variant (Variation ID: 2752016). Invitae Evidence Modeling of protein sequence and biophysical properties (such as structural, functional, and spatial information, amino acid conservation, physicochemical variation, residue mobility, and thermodynamic stability) indicates that this missense variant is expected to disrupt PPP2R1A protein function with a positive predictive value of 80%. In summary, the available evidence is currently insufficient to determine the role of this variant in disease. Therefore, it has been classified as a Variant of Uncertain Significance.

NM_014225.6(PPP2R1A):c.469C>G (p.Arg157Gly)

Gene: PPP2R1A (protein phosphatase 2 scaffold subunit Aalpha; plus strand). Cytogenetic location: 19q13.41.
Variant type: single nucleotide variant.
Coding change: c.469C>G on transcript NM_014225.6 (MANE Select); coding-DNA position 469, C replaced by G.
Protein change: p.Arg157Gly; replaces arginine 157 with glycine.
Molecular consequence: missense variant. On other transcripts: 5 prime UTR variant (1), non-coding transcript variant (1).
Genome position (GRCh38, 1-based): chr19:52,211,458, C>G. VCF-style: chr19-52211458-C-G. GRCh37 (hg19) VCF-style: chr19-52714711-C-G.
Other names: c.-69C>G (NM_001363656.2); short protein forms R157G.
Identifiers: ClinVar variation 2752016 (VCV002752016.3), dbSNP rs780485104, ClinGen allele CA407182960.